The following is an entry in ClinVar:

NM_003742.4(ABCB11):c.3589_3590delinsGG (p.Leu1197Gly)

Gene: ABCB11 (ATP binding cassette subfamily B member 11; minus strand). Cytogenetic location: 2q31.1.
Variant type: Indel.
Coding change: c.3589_3590delinsGG on transcript NM_003742.4 (MANE Select); coding-DNA positions 3589 to 3590, CT replaced by GG.
Protein change: p.Leu1197Gly; replaces leucine 1197 with glycine.
Molecular consequence: missense variant.
Genome position (GRCh38, 1-based): chr2:168,927,184-168,927,185, AG replaced by CC on the plus strand (CT replaced by GG on the coding strand, the reverse complement: ABCB11 is on the minus strand). VCF-style: chr2-168927184-AG-CC. GRCh37 (hg19) VCF-style: chr2-169783694-AG-CC.
Other names: short protein forms L1197G.
Identifiers: ClinVar variation 4846076 (VCV004846076.1).

ClinVar aggregate classification (germline): Uncertain significance (1 of 4 stars; one submission).

Conditions:
Familial intrahepatic cholestasis. Identifiers: Orphanet 284385, MedGen CN296401, MONDO:0017290.

Submission:

Genomenon, Inc
Classification: Uncertain significance for Familial intrahepatic cholestasis. Last evaluated: 2026-04-14. Review status: criteria provided, single submitter. Criteria: Genomenon Sequence Variant Interpretation Standards - Updated. Collection method: curation. Allele origin: germline. Affected: yes.
Comment: ABCB11 p.Leu1197Gly (c.3589_3590delinsGG) is a deletion-insertion variant that changes the amino acid at residue 1197 from Leucine to Glycine. This variant has been observed in at least one proband with an ABCB11-related disorder (PMID:19101985). It is absent or not present at a significant frequency in gnomAD. In conclusion, we classify ABCB11 p.Leu1197Gly (c.3589_3590delinsGG) as a variant of uncertain significance.

Literature cited by the submitters: PubMed 19101985.